The following is an entry in ClinVar:

ClinVar aggregate classification (germline): Uncertain significance. Review status: criteria provided, multiple submitters, no conflicts (2 of 4 stars). 3 submissions from 3 submitters: Uncertain significance (3). Last evaluated 2026-01-06.

Conditions:
Cardiomyopathy (CMYO). Also called: Cardiomyopathies. Identifiers: Orphanet 167848, MedGen C0878544, MONDO:0004994, HP:0001638. Inheritance: Various modes of inheritance.
Dilated cardiomyopathy 1HH (CMD1HH). Identifiers: Orphanet 154, MedGen C3151293, MONDO:0013479, OMIM 613881.
Myofibrillar myopathy 6. Identifiers: Orphanet 199340, MedGen C2751831, MONDO:0013061, OMIM 612954.
Cardiovascular phenotype. Identifiers: MedGen CN230736.

Allele frequency attached by ClinVar (database versions not stated): gnomAD exomes below 0.00001.
gnomAD v4.1: 2 of 1,614,172 alleles (0.00012%); highest among the groups gnomAD compares: African/African-American, 0.0027%; no homozygotes.

Submissions (3):

Labcorp Genetics (formerly Invitae), Labcorp
Classification: Uncertain significance for Dilated cardiomyopathy 1HH; Myofibrillar myopathy 6. Last evaluated: 2026-01-06. Review status: criteria provided, single submitter. Criteria: Invitae Variant Classification Sherloc (09022015). Collection method: clinical testing. Allele origin: germline.
Comment: This sequence change replaces proline, which is neutral and non-polar, with leucine, which is neutral and non-polar, at codon 420 of the BAG3 protein (p.Pro420Leu). This variant is not present in population databases (gnomAD no frequency). This variant has not been reported in the literature in individuals affected with BAG3-related conditions. ClinVar contains an entry for this variant (Variation ID: 1335050). Invitae Evidence Modeling of protein sequence and biophysical properties (such as structural, functional, and spatial information, amino acid conservation, physicochemical variation, residue mobility, and thermodynamic stability) indicates that this missense variant is expected to disrupt BAG3 protein function with a positive predictive value of 80%. In summary, the available evidence is currently insufficient to determine the role of this variant in disease. Therefore, it has been classified as a Variant of Uncertain Significance.

Ambry Genetics
Classification: Uncertain significance for Cardiovascular phenotype. Last evaluated: 2023-01-26. Review status: criteria provided, single submitter. Criteria: Ambry Variant Classification Scheme 2023. Collection method: clinical testing. Allele origin: germline.
Comment: The p.P420L variant (also known as c.1259C>T), located in coding exon 4 of the BAG3 gene, results from a C to T substitution at nucleotide position 1259. The proline at codon 420 is replaced by leucine, an amino acid with similar properties. This amino acid position is highly conserved in available vertebrate species. In addition, the in silico prediction for this alteration is inconclusive. Since supporting evidence is limited at this time, the clinical significance of this alteration remains unclear.

CHEO Genetics Diagnostic Laboratory, Children's Hospital of Eastern Ontario
Classification: Uncertain significance for Cardiomyopathy. Last evaluated: 2022-03-23. Review status: criteria provided, single submitter. Criteria: ACMG Guidelines, 2015. Collection method: clinical testing. Allele origin: germline.

NM_004281.4(BAG3):c.1259C>T (p.Pro420Leu)

Gene: BAG3 (BAG cochaperone 3; plus strand). Cytogenetic location: 10q26.11.
Variant type: single nucleotide variant.
Coding change: c.1259C>T on transcript NM_004281.4 (MANE Select); coding-DNA position 1259, C replaced by T.
Protein change: p.Pro420Leu; replaces proline 420 with leucine.
Molecular consequence: missense variant.
Genome position (GRCh38, 1-based): chr10:119,676,813, C>T. VCF-style: chr10-119676813-C-T. GRCh37 (hg19) VCF-style: chr10-121436325-C-T.
Other names: c.1259C>T (NM_004281.3); short protein forms P420L.
Identifiers: ClinVar variation 1335050 (VCV001335050.16), dbSNP rs1303615373, ClinGen allele CA378296937.
Genomic context (GRCh38, chr10:119,676,813, plus strand): 5'-CTGCCCCTGCAGAAGCTACACCTCCAAAACCAGGAGAAGCCGAGGCTCCCCCAAAACATC[C>T]AGGAGTGCTGAAAGTGGAAGCCATCCTGGAGAAGGTACAGGGGCTGGAGCAGGCTGTAGA-3'
Protein context (NP_004272.2, residues 410-430): PGEAEAPPKH[Pro420Leu]GVLKVEAILE